The following is an entry in ClinVar:

NM_172364.5(CACNA2D4):c.1712G>A (p.Arg571Gln)

Gene: CACNA2D4 (calcium voltage-gated channel auxiliary subunit alpha2delta 4; minus strand). Cytogenetic location: 12p13.33.
Variant type: single nucleotide variant.
Coding change: c.1712G>A on transcript NM_172364.5 (MANE Select); coding-DNA position 1712, G replaced by A.
Protein change: p.Arg571Gln; replaces arginine 571 with glutamine.
Molecular consequence: missense variant.
Genome position (GRCh38, 1-based): chr12:1,878,322, C>T on the plus strand (G>A on the coding strand, the complement: CACNA2D4 is on the minus strand). VCF-style: chr12-1878322-C-T. GRCh37 (hg19) VCF-style: chr12-1987488-C-T.
Other names: short protein forms R571Q.
Identifiers: ClinVar variation 2521614 (VCV002521614.4), dbSNP rs781270397, ClinGen allele CA231551058.

ClinVar aggregate classification (germline): Uncertain significance. Review status: criteria provided, multiple submitters, no conflicts (2 of 4 stars). 2 submissions from 2 submitters: Uncertain significance (2). Last evaluated 2024-06-05.

Conditions:
Inborn genetic diseases. Identifiers: MedGen C0950123, MeSH D030342.

Allele frequency attached by ClinVar (database versions not stated): TOPMed 0.00002.
gnomAD v4.1: 12 of 1,608,956 alleles (0.00075%); highest among the groups gnomAD compares: Middle Eastern, 0.016%; no homozygotes.

Submissions (2):

Labcorp Genetics (formerly Invitae), Labcorp
Classification: Uncertain significance. Last evaluated: 2024-06-05. Review status: criteria provided, single submitter. Criteria: Invitae Variant Classification Sherloc (09022015). Collection method: clinical testing. Allele origin: germline.
Comment: This sequence change replaces arginine, which is basic and polar, with glutamine, which is neutral and polar, at codon 571 of the CACNA2D4 protein (p.Arg571Gln). The frequency data for this variant in the population databases is considered unreliable, as metrics indicate poor data quality at this position in the gnomAD database. This variant has not been reported in the literature in individuals affected with CACNA2D4-related conditions. ClinVar contains an entry for this variant (Variation ID: 2521614). An algorithm developed to predict the effect of missense changes on protein structure and function (PolyPhen-2) suggests that this variant is likely to be disruptive. In summary, the available evidence is currently insufficient to determine the role of this variant in disease. Therefore, it has been classified as a Variant of Uncertain Significance.

Ambry Genetics
Classification: Uncertain significance for Inborn genetic diseases. Last evaluated: 2023-05-18. Review status: criteria provided, single submitter. Criteria: Ambry Variant Classification Scheme 2023. Collection method: clinical testing. Allele origin: germline.